The following is an entry in ClinVar:

ClinVar aggregate classification (germline): Uncertain significance. Review status: criteria provided, multiple submitters, no conflicts (2 of 4 stars). 2 submissions from 2 submitters: Uncertain significance (2). Last evaluated 2025-10-01.

Conditions:
Inborn genetic diseases. Identifiers: MedGen C0950123, MeSH D030342.

Allele frequency attached by ClinVar (database versions not stated): gnomAD exomes below 0.00001; ExAC 0.00001; gnomAD 0.00001; TOPMed 0.00002; ESP Exome Variant Server 0.00008.
gnomAD v4.1: 4 of 1,608,732 alleles (0.00025%); highest among the groups gnomAD compares: East Asian, 0.0022%; no homozygotes.

Submissions (2):

Labcorp Genetics (formerly Invitae), Labcorp
Classification: Uncertain significance. Last evaluated: 2025-10-01. Review status: criteria provided, single submitter. Criteria: Invitae Variant Classification Sherloc (09022015). Collection method: clinical testing. Allele origin: germline.
Comment: This sequence change replaces tyrosine, which is neutral and polar, with cysteine, which is neutral and slightly polar, at codon 1246 of the SAMD9 protein (p.Tyr1246Cys). This variant is present in population databases (rs376485016, gnomAD 0.006%). This variant has not been reported in the literature in individuals affected with SAMD9-related conditions. ClinVar contains an entry for this variant (Variation ID: 1986863). Invitae Evidence Modeling of protein sequence and biophysical properties (such as structural, functional, and spatial information, amino acid conservation, physicochemical variation, residue mobility, and thermodynamic stability) indicates that this missense variant is not expected to disrupt SAMD9 protein function with a negative predictive value of 95%. In summary, the available evidence is currently insufficient to determine the role of this variant in disease. Therefore, it has been classified as a Variant of Uncertain Significance.

Ambry Genetics
Classification: Uncertain significance for Inborn genetic diseases. Last evaluated: 2025-01-21. Review status: criteria provided, single submitter. Criteria: Ambry Variant Classification Scheme 2023. Collection method: clinical testing. Allele origin: germline.
Comment: The p.Y1246C variant (also known as c.3737A>G), located in coding exon 1 of the SAMD9 gene, results from an A to G substitution at nucleotide position 3737. The tyrosine at codon 1246 is replaced by cysteine, an amino acid with highly dissimilar properties. This amino acid position is conserved. In addition, this alteration is predicted to be tolerated by in silico analysis. Based on the available evidence, the clinical significance of this variant remains unclear.

NM_017654.4(SAMD9):c.3737A>G (p.Tyr1246Cys)

Gene: SAMD9 (sterile alpha motif domain containing 9; minus strand). Cytogenetic location: 7q21.2.
Variant type: single nucleotide variant.
Coding change: c.3737A>G on transcript NM_017654.4 (MANE Select); coding-DNA position 3737, A replaced by G.
Protein change: p.Tyr1246Cys; replaces tyrosine 1246 with cysteine.
Molecular consequence: missense variant.
Genome position (GRCh38, 1-based): chr7:93,102,361, T>C on the plus strand (A>G on the coding strand, the complement: SAMD9 is on the minus strand). VCF-style: chr7-93102361-T-C. GRCh37 (hg19) VCF-style: chr7-92731674-T-C.
Other names: c.3737A>G, p.Tyr1246Cys (NM_001193307.2); c.3737A>G (NM_017654.3); short protein forms Y1246C.
Identifiers: ClinVar variation 1986863 (VCV001986863.4), dbSNP rs376485016, ClinGen allele CA4342644.